The following is an entry in ClinVar:

ClinVar aggregate classification (germline): Conflicting classifications of pathogenicity. Review status: criteria provided, conflicting classifications (1 of 4 stars). 3 submissions from 3 submitters: Uncertain significance (1); Likely benign (2). Last evaluated 2026-05-27.

Conditions:
ZNF423-related disorder. Also called: ZNF423-related condition.
Nephronophthisis 14 (NPHP14). Identifiers: Orphanet 2318, MedGen C3539071, MONDO:0013916, OMIM 614844.

Allele frequency attached by ClinVar (database versions not stated): gnomAD exomes below 0.00001; ExAC 0.00001; gnomAD 0.00007 and 0.00008; TOPMed 0.00011.
gnomAD v4.1: 24 of 1,613,706 alleles (0.0015%); highest among the groups gnomAD compares: Middle Eastern, 0.016%; no homozygotes.

Submissions (3):

PreventionGenetics, part of Exact Sciences
Classification: Likely benign for ZNF423-related condition. Last evaluated: 2026-05-27. Review status: criteria provided, single submitter. Criteria: ACMG Guidelines, 2015. Collection method: clinical testing. Allele origin: germline.
Comment: This variant is classified as likely benign based on ACMG/AMP sequence variant interpretation guidelines (Richards et al. 2015 PMID: 25741868, with internal and published modifications).

Labcorp Genetics (formerly Invitae), Labcorp
Classification: Likely benign for Nephronophthisis 14. Last evaluated: 2026-01-27. Review status: criteria provided, single submitter. Criteria: Invitae Variant Classification Sherloc (09022015). Collection method: clinical testing. Allele origin: germline.

Eurofins Ntd Llc (ga)
Classification: Uncertain significance. Last evaluated: 2014-07-29. Review status: criteria provided, single submitter. Criteria: EGL Classification Definitions 2015. Collection method: clinical testing. Allele origin: germline. Observed: 1 variant allele, 1 heterozygote.

NM_001379286.1(ZNF423):c.2649C>T (p.Ser883=)

Gene: ZNF423 (zinc finger protein 423; minus strand). Cytogenetic location: 16q12.1.
Variant type: single nucleotide variant.
Coding change: c.2649C>T on transcript NM_001379286.1 (MANE Select); coding-DNA position 2649, C replaced by T.
Protein change: p.Ser883=; no amino-acid change (serine 883 retained).
Molecular consequence: synonymous variant.
Genome position (GRCh38, 1-based): chr16:49,636,527, G>A on the plus strand (C>T on the coding strand, the complement: ZNF423 is on the minus strand). VCF-style: chr16-49636527-G-A. GRCh37 (hg19) VCF-style: chr16-49670438-G-A.
Other names: c.2445C>T, p.Ser815= (NM_001271620.2); c.2274C>T, p.Ser758= (NM_001330533.2); c.2625C>T, p.Ser875= (NM_015069.5); c.2625C>T (NM_015069.4).
Identifiers: ClinVar variation 197819 (VCV000197819.14), dbSNP rs781131703, ClinGen allele CA246167.